The following is an entry in ClinVar:

ClinVar aggregate classification (germline): Uncertain significance. Review status: criteria provided, multiple submitters, no conflicts (2 of 4 stars). 2 submissions from 2 submitters: Uncertain significance (2). Last evaluated 2024-10-07.

Allele frequency attached by ClinVar (database versions not stated): TOPMed 0.00003.
gnomAD v4.1: 1 of 1,547,098 alleles (0.000065%); highest among the groups gnomAD compares: African/African-American, 0.0014%; no homozygotes.

Submissions (2):

GeneDx
Classification: Uncertain significance. Last evaluated: 2024-10-07. Review status: criteria provided, single submitter. Criteria: GeneDx Variant Classification Process June 2021. Collection method: clinical testing. Allele origin: germline. Affected: yes.
Comment: Not observed at significant frequency in large population cohorts (gnomAD); In silico analysis indicates that this missense variant does not alter protein structure/function; Has not been previously published as pathogenic or benign to our knowledge

Labcorp Genetics (formerly Invitae), Labcorp
Classification: Uncertain significance. Last evaluated: 2022-02-02. Review status: criteria provided, single submitter. Criteria: Invitae Variant Classification Sherloc (09022015). Collection method: clinical testing. Allele origin: germline.
Comment: Algorithms developed to predict the effect of missense changes on protein structure and function are either unavailable or do not agree on the potential impact of this missense change (SIFT: "Tolerated"; PolyPhen-2: "Not Available"; Align-GVGD: "Class C0"). In summary, the available evidence is currently insufficient to determine the role of this variant in disease. Therefore, it has been classified as a Variant of Uncertain Significance. This variant has not been reported in the literature in individuals affected with PDZD7-related conditions. This variant is not present in population databases (gnomAD no frequency). This sequence change replaces serine, which is neutral and polar, with leucine, which is neutral and non-polar, at codon 339 of the PDZD7 protein (p.Ser339Leu).

NM_001195263.2(PDZD7):c.1016C>T (p.Ser339Leu)

Gene: PDZD7 (PDZ domain containing 7; minus strand). Cytogenetic location: 10q24.31.
Variant type: single nucleotide variant.
Coding change: c.1016C>T on transcript NM_001195263.2 (MANE Select); coding-DNA position 1016, C replaced by T.
Protein change: p.Ser339Leu; replaces serine 339 with leucine.
Molecular consequence: missense variant.
Genome position (GRCh38, 1-based): chr10:101,019,130, G>A on the plus strand (C>T on the coding strand, the complement: PDZD7 is on the minus strand). VCF-style: chr10-101019130-G-A. GRCh37 (hg19) VCF-style: chr10-102778887-G-A.
Other names: c.1016C>T, p.Ser339Leu (NM_001351044.2, NM_024895.5); c.1016C>T (NM_001195263.1); short protein forms S339L.
Identifiers: ClinVar variation 1950250 (VCV001950250.6), dbSNP rs1852899105, ClinGen allele CA378228908.